The following is an entry in ClinVar:

NM_004064.5(CDKN1B):c.488A>G (p.Gln163Arg)

Gene: CDKN1B (cyclin dependent kinase inhibitor 1B; plus strand). Cytogenetic location: 12p13.1.
Variant type: single nucleotide variant.
Coding change: c.488A>G on transcript NM_004064.5 (MANE Select); coding-DNA position 488, A replaced by G.
Protein change: p.Gln163Arg; replaces glutamine 163 with arginine.
Molecular consequence: missense variant.
Genome position (GRCh38, 1-based): chr12:12,718,837, A>G. VCF-style: chr12-12718837-A-G. GRCh37 (hg19) VCF-style: chr12-12871771-A-G.
Other names: short protein forms Q163R.
Identifiers: ClinVar variation 1743839 (VCV001743839.2), dbSNP rs2497407432, ClinGen allele CA383972588.

ClinVar aggregate classification (germline): Uncertain significance (1 of 4 stars; one submission).

Conditions:
Hereditary cancer-predisposing syndrome. Also called: Hereditary Cancer Syndrome; Neoplastic Syndromes, Hereditary; Tumor predisposition; Hereditary neoplastic syndrome. Identifiers: Orphanet 140162, MedGen C0027672, MeSH D009386, MONDO:0015356.

Submission:

Ambry Genetics
Classification: Uncertain significance for Hereditary cancer-predisposing syndrome. Last evaluated: 2022-01-12. Review status: criteria provided, single submitter. Criteria: Ambry Variant Classification Scheme 2023. Collection method: clinical testing. Allele origin: germline.
Comment: The p.Q163R variant (also known as c.488A>G), located in coding exon 2 of the CDKN1B gene, results from an A to G substitution at nucleotide position 488. The glutamine at codon 163 is replaced by arginine, an amino acid with highly similar properties. This amino acid position is conserved. In addition, this alteration is predicted to be tolerated by in silico analysis. Since supporting evidence is limited at this time, the clinical significance of this alteration remains unclear.